The following is an entry in ClinVar:

ClinVar aggregate classification (germline): Uncertain significance (1 of 4 stars; one submission).

Conditions:
Familial melanoma. Also called: Hereditary melanoma; Hereditary cutaneous melanoma. Identifiers: Orphanet 618, MedGen C1512419, MONDO:0018961.

Submission:

Labcorp Genetics (formerly Invitae), Labcorp
Classification: Uncertain significance for Familial melanoma. Last evaluated: 2021-11-17. Review status: criteria provided, single submitter. Criteria: Invitae Variant Classification Sherloc (09022015). Collection method: clinical testing. Allele origin: germline.
Comment: This variant results in a copy number gain of the genomic region encompassing exon(s) 1 of the CDKN2A (p14ARF) gene. This region includes the initiator codon of the gene. This copy number gain extends beyond the assayed region for this gene and therefore may encompass additional genes. As the precise location of this event is unknown, it may be in tandem or it may be located elsewhere in the genome. This variant has not been reported in the literature in individuals affected with CDKN2A (p14ARF)-related conditions. Experimental studies and prediction algorithms are not available or were not evaluated, and the functional significance of this variant is currently unknown. In summary, the available evidence is currently insufficient to determine the role of this variant in disease. Therefore, it has been classified as a Variant of Uncertain Significance.

NC_000009.11:g.(?_21994128)_(22160087_?)dup

Genes: CDKN2B-AS1 (CDKN2B antisense RNA 1; plus strand), CDKN2A (cyclin dependent kinase inhibitor 2A; minus strand), CDKN2B (cyclin dependent kinase inhibitor 2B; minus strand). Cytogenetic location: 9p21.3.
Variant type: Duplication.
Identifiers: ClinVar variation 1430740 (VCV001430740.1).